The following is an entry in ClinVar:

NM_012123.4(MTO1):c.1648_1650dup (p.Val550dup)

Gene: MTO1 (mitochondrial tRNA translation optimization 1; plus strand). Cytogenetic location: 6q13.
Variant type: Duplication.
Coding change: c.1648_1650dup on transcript NM_012123.4 (MANE Select); coding-DNA positions 1648 to 1650, 3 bases duplicated (GTT; older notation c.1648_1650dupGTT).
Protein change: p.Val550dup; duplicates valine 550.
Molecular consequence: inframe insertion.
Genome position (GRCh38, 1-based): chr6:73,492,244-73,492,246, GTT duplicated; duplicating any 3 consecutive bases within chr6:73,492,243-73,492,246 gives the same sequence; the c. name uses the placement nearest the transcript's 3' end. VCF-style (leftmost placement, unchanged base first): chr6-73492242-A-ATGT. GRCh37 (hg19) VCF-style: chr6-74201965-A-ATGT.
Other names: c.1768_1770dup, p.Val590dup (NM_001123226.2); c.1723_1725dup, p.Val575dup (NM_133645.3).
Identifiers: ClinVar variation 1520042 (VCV001520042.6), dbSNP rs2150042260, ClinGen allele CA2573141275.
Genomic context (GRCh38, chr6:73,492,242, plus strand): 5'-TGCCTTATATGACATGGATCCTTATGTTAATGAAACTTTCATATATTTGCAGAGCTCTCG[A>ATGT]TGTTCTGAAGTATGAGGAAGTTGACATGGATTCATTAGCCAAGGCTGTTCCAGAGCCCTT-3'

ClinVar aggregate classification (germline): Uncertain significance (1 of 4 stars; one submission).

Conditions:
Mitochondrial hypertrophic cardiomyopathy with lactic acidosis due to MTO1 deficiency. Also called: CARDIOMYOPATHY, INFANTILE HYPERTROPHIC MITOCHONDRIAL, AND LACTIC ACIDOSIS; Combined oxidative phosphorylation deficiency 10. Identifiers: Orphanet 314637, MedGen C4749921, MONDO:0013865, OMIM 614702.

Submission:

Labcorp Genetics (formerly Invitae), Labcorp
Classification: Uncertain significance for Mitochondrial hypertrophic cardiomyopathy with lactic acidosis due to MTO1 deficiency. Last evaluated: 2023-08-28. Review status: criteria provided, single submitter. Criteria: Invitae Variant Classification Sherloc (09022015). Collection method: clinical testing. Allele origin: germline.
Comment: This variant is not present in population databases (gnomAD no frequency). In summary, the available evidence is currently insufficient to determine the role of this variant in disease. Therefore, it has been classified as a Variant of Uncertain Significance. Experimental studies and prediction algorithms are not available or were not evaluated, and the functional significance of this variant is currently unknown. ClinVar contains an entry for this variant (Variation ID: 1520042). This variant has not been reported in the literature in individuals affected with MTO1-related conditions. This variant, c.1648_1650dup, results in the insertion of 1 amino acid(s) of the MTO1 protein (p.Val550dup), but otherwise preserves the integrity of the reading frame.